The following is an entry in ClinVar:

NM_001793.6(CDH3):c.854G>T (p.Gly285Val)

Gene: CDH3 (cadherin 3; plus strand). Cytogenetic location: 16q22.1.
Variant type: single nucleotide variant.
Coding change: c.854G>T on transcript NM_001793.6 (MANE Select); coding-DNA position 854, G replaced by T.
Protein change: p.Gly285Val; replaces glycine 285 with valine.
Molecular consequence: missense variant.
Genome position (GRCh38, 1-based): chr16:68,679,961, G>T. VCF-style: chr16-68679961-G-T. GRCh37 (hg19) VCF-style: chr16-68713864-G-T.
Other names: c.854G>T, p.Gly285Val (NM_001317195.3); c.689G>T, p.Gly230Val (NM_001317196.2); short protein forms G230V, G285V.
Identifiers: ClinVar variation 884778 (VCV000884778.7), dbSNP rs753255861, ClinGen allele CA8129157.

ClinVar aggregate classification (germline): Uncertain significance. Review status: criteria provided, multiple submitters, no conflicts (2 of 4 stars). 2 submissions from 2 submitters: Uncertain significance (2). Last evaluated 2023-07-17.

Conditions:
EEM syndrome (EEMS). Identifiers: Orphanet 1897, MedGen C1857041, MONDO:0009155, OMIM 225280.

Allele frequency attached by ClinVar (database versions not stated): TOPMed 0.00001; ExAC 0.00002; gnomAD 0.00002; gnomAD exomes 0.00002 and 0.00004.
gnomAD v4.1: 56 of 1,614,032 alleles (0.0035%); highest among the groups gnomAD compares: Non-Finnish European, 0.0046%; no homozygotes.

Submissions (2):

Labcorp Genetics (formerly Invitae), Labcorp
Classification: Uncertain significance. Last evaluated: 2023-07-17. Review status: criteria provided, single submitter. Criteria: Invitae Variant Classification Sherloc (09022015). Collection method: clinical testing. Allele origin: germline.
Comment: This sequence change replaces glycine, which is neutral and non-polar, with valine, which is neutral and non-polar, at codon 285 of the CDH3 protein (p.Gly285Val). This variant is present in population databases (rs753255861, gnomAD 0.004%). This variant has not been reported in the literature in individuals affected with CDH3-related conditions. ClinVar contains an entry for this variant (Variation ID: 884778). Advanced modeling of protein sequence and biophysical properties (such as structural, functional, and spatial information, amino acid conservation, physicochemical variation, residue mobility, and thermodynamic stability) has been performed at Invitae for this missense variant, however the output from this modeling did not meet the statistical confidence thresholds required to predict the impact of this variant on CDH3 protein function. In summary, the available evidence is currently insufficient to determine the role of this variant in disease. Therefore, it has been classified as a Variant of Uncertain Significance.

Illumina Laboratory Services, Illumina
Classification: Uncertain significance for EEM syndrome. Last evaluated: 2018-01-13. Review status: criteria provided, single submitter. Criteria: ICSL Variant Classification Criteria 13 December 2019. Collection method: clinical testing. Allele origin: germline.